The following is an entry in ClinVar:

ClinVar aggregate classification (germline): Uncertain significance (1 of 4 stars; one submission).

gnomAD v4.1: 2 of 1,614,080 alleles (0.00012%); highest among the groups gnomAD compares: Admixed American, 0.0033%; no homozygotes.

Submission:

Ambry Genetics
Classification: Uncertain significance. Last evaluated: 2025-03-15. Review status: criteria provided, single submitter. Criteria: Ambry Variant Classification Scheme 2023. Collection method: clinical testing. Allele origin: germline.
Comment: The p.S2073A variant (also known as c.6217T>G), located in coding exon 26 of the WNK2 gene, results from a T to G substitution at nucleotide position 6217. The serine at codon 2073 is replaced by alanine, an amino acid with similar properties. This amino acid position is conserved. In addition, the in silico prediction for this alteration is inconclusive. Based on the available evidence, the clinical significance of this variant remains unclear.

NM_006648.4(WNK2):c.6217T>G (p.Ser2073Ala)

Gene: WNK2 (WNK lysine deficient protein kinase 2; plus strand). Cytogenetic location: 9q22.31.
Variant type: single nucleotide variant.
Coding change: c.6217T>G on transcript NM_006648.4 (MANE Select); coding-DNA position 6217, T replaced by G.
Protein change: p.Ser2073Ala; replaces serine 2073 with alanine.
Molecular consequence: missense variant.
Genome position (GRCh38, 1-based): chr9:93,306,779, T>G. VCF-style: chr9-93306779-T-G. GRCh37 (hg19) VCF-style: chr9-96069061-T-G.
Other names: c.6328T>G, p.Ser2110Ala (NM_001282394.3); short protein forms S2073A, S2110A.
Identifiers: ClinVar variation 3981646 (VCV003981646.1).